The following is an entry in ClinVar:

ClinVar aggregate classification (germline): Uncertain significance. Review status: criteria provided, multiple submitters, no conflicts (2 of 4 stars). 2 submissions from 2 submitters: Uncertain significance (2). Last evaluated 2026-05-14.

Conditions:
Wilms tumor 1 (WT1). Also called: Wilms tumor, somatic. Identifiers: Orphanet 654, MedGen CN033288, MONDO:0008679, OMIM 194070.
11p partial monosomy syndrome (WAGR). Also called: CHROMOSOME 11p13 DELETION SYNDROME; WAGR Spectrum Disorder; WAGR syndrome; WAGR Complex. Identifiers: Orphanet 893, MedGen C0206115, MONDO:0008681, OMIM 194072.
Frasier syndrome. Identifiers: Orphanet 347, MedGen C0950122, MeSH D052159, MONDO:0007635, OMIM 136680.
Drash syndrome (DDS). Also called: NEPHROPATHY, WILMS TUMOR, AND GENITAL ANOMALIES; WILMS TUMOR AND PSEUDO- OR TRUE HERMAPHRODITISM. Identifiers: Orphanet 220, MedGen C0950121, MONDO:0008682, OMIM 194080.
Inborn genetic diseases. Identifiers: MedGen C0950123, MeSH D030342.

Submissions (2):

Ambry Genetics
Classification: Uncertain significance for Inborn genetic diseases. Last evaluated: 2026-05-14. Review status: criteria provided, single submitter. Criteria: Ambry Variant Classification Scheme 2023. Collection method: clinical testing. Allele origin: germline.
Comment: The p.F180C variant (also known as c.539T>G), located in coding exon 1 of the WT1 gene, results from a T to G substitution at nucleotide position 539. The phenylalanine at codon 180 is replaced by cysteine, an amino acid with highly dissimilar properties. This amino acid position is conserved. In addition, the in silico prediction for this alteration is inconclusive. Based on the available evidence, the clinical significance of this variant remains unclear.

Labcorp Genetics (formerly Invitae), Labcorp
Classification: Uncertain significance for Wilms tumor 1; Drash syndrome; 11p partial monosomy syndrome; Frasier syndrome. Last evaluated: 2022-02-25. Review status: criteria provided, single submitter. Criteria: Invitae Variant Classification Sherloc (09022015). Collection method: clinical testing. Allele origin: germline.
Comment: In summary, the available evidence is currently insufficient to determine the role of this variant in disease. Therefore, it has been classified as a Variant of Uncertain Significance. Algorithms developed to predict the effect of missense changes on protein structure and function (SIFT, PolyPhen-2, Align-GVGD) all suggest that this variant is likely to be disruptive. This variant has not been reported in the literature in individuals affected with WT1-related conditions. This variant is not present in population databases (gnomAD no frequency). This sequence change replaces phenylalanine, which is neutral and non-polar, with cysteine, which is neutral and slightly polar, at codon 180 of the WT1 protein (p.Phe180Cys).

NM_024426.6(WT1):c.554T>G (p.Phe185Cys)

Genes: WT1 (WT1 transcription factor; minus strand), LOC107982234 (WT1/WT1-AS bi-directional promoter region; plus strand). Cytogenetic location: 11p13.
Variant type: single nucleotide variant.
Coding change: c.554T>G on transcript NM_024426.6 (MANE Select); coding-DNA position 554, T replaced by G.
Protein change: p.Phe185Cys; replaces phenylalanine 185 with cysteine.
Molecular consequence: missense variant. On other transcripts: non-coding transcript variant (1).
Genome position (GRCh38, 1-based): chr11:32,434,807, A>C on the plus strand (T>G on the coding strand, the complement: WT1 is on the minus strand). VCF-style: chr11-32434807-A-C. GRCh37 (hg19) VCF-style: chr11-32456353-A-C.
Other names: c.554T>G, p.Phe185Cys (NM_000378.6, NM_001407044.1, NM_001407045.1 and 6 more transcripts); c.539T>G, p.Phe180Cys (NM_024425.2); c.539T>G (NM_024426.4); short protein forms F180C, F185C.
Identifiers: ClinVar variation 1933454 (VCV001933454.6), dbSNP rs2133102194, ClinGen allele CA379964681.